The following is an entry in ClinVar:

NM_001711.6(BGN):c.964C>G (p.Pro322Ala)

Gene: BGN (biglycan; plus strand). Cytogenetic location: Xq28.
Variant type: single nucleotide variant.
Coding change: c.964C>G on transcript NM_001711.6 (MANE Select); coding-DNA position 964, C replaced by G.
Protein change: p.Pro322Ala; replaces proline 322 with alanine.
Molecular consequence: missense variant.
Genome position (GRCh38, 1-based): chrX:153,508,302, C>G. VCF-style: chrX-153508302-C-G. GRCh37 (hg19) VCF-style: chrX-152773760-C-G.
Other names: short protein forms P322A.
Identifiers: ClinVar variation 2450207 (VCV002450207.2), dbSNP rs2089818093, ClinGen allele CA415071743.

ClinVar aggregate classification (germline): Uncertain significance (1 of 4 stars; one submission).

Conditions:
Cardiovascular phenotype. Identifiers: MedGen CN230736.

Allele frequency attached by ClinVar (database versions not stated): TOPMed 0.00001.
gnomAD v4.1: 1 of 1,212,179 alleles (0.000082%); no homozygotes.

Submission:

Ambry Genetics
Classification: Uncertain significance for Cardiovascular phenotype. Last evaluated: 2022-12-09. Review status: criteria provided, single submitter. Criteria: Ambry Variant Classification Scheme 2023. Collection method: clinical testing. Allele origin: germline.
Comment: The p.P322A variant (also known as c.964C>G), located in coding exon 7 of the BGN gene, results from a C to G substitution at nucleotide position 964. The proline at codon 322 is replaced by alanine, an amino acid with highly similar properties. This amino acid position is conserved. In addition, this alteration is predicted to be tolerated by in silico analysis. Since supporting evidence is limited at this time, the clinical significance of this alteration remains unclear.